The following is an entry in ClinVar:

NM_000218.3(KCNQ1):c.897C>T (p.Tyr299=)

Gene: KCNQ1 (potassium voltage-gated channel subfamily Q member 1; plus strand). Cytogenetic location: 11p15.5.
Variant type: single nucleotide variant.
Coding change: c.897C>T on transcript NM_000218.3 (MANE Select); coding-DNA position 897, C replaced by T.
Protein change: p.Tyr299=; no amino-acid change (tyrosine 299 retained).
Molecular consequence: synonymous variant. On other transcripts: intron variant (1).
Genome position (GRCh38, 1-based): chr11:2,572,962, C>T. VCF-style: chr11-2572962-C-T. GRCh37 (hg19) VCF-style: chr11-2594192-C-T.
Other names: c.897C>T, p.Tyr299= (NM_001406836.1); c.627C>T, p.Tyr209= (NM_001406837.1); c.516C>T, p.Tyr172= (NM_181798.2); c.478-10473C>T (NM_001406838.1).
Identifiers: ClinVar variation 918321 (VCV000918321.19), dbSNP rs373183513, ClinGen allele CA041293.

ClinVar aggregate classification (germline): Benign/Likely benign. Review status: criteria provided, multiple submitters, no conflicts (2 of 4 stars). 5 submissions from 5 submitters: Benign (1); Likely benign (4). Last evaluated 2025-11-21.

Conditions:
Long QT syndrome (LQTS). Identifiers: MedGen C0023976, MeSH D008133, MONDO:0002442. Disease mechanism: loss of function. Inheritance: Various modes of inheritance.
Cardiovascular phenotype. Identifiers: MedGen CN230736.
Cardiac arrhythmia. Also called: Cardiac rhythm disease; Arrhythmia. Identifiers: MedGen C0003811, MONDO:0007263, HP:0011675.

Allele frequency attached by ClinVar (database versions not stated): gnomAD 0.00001 and 0.00002; ExAC 0.00003; TOPMed 0.00003; gnomAD exomes 0.00004 and 0.00005; ESP Exome Variant Server 0.00008.
gnomAD v4.1: 60 of 1,613,586 alleles (0.0037%); highest among the groups gnomAD compares: South Asian, 0.014%; 1 homozygote.

Submissions (5):

Labcorp Genetics (formerly Invitae), Labcorp
Classification: Likely benign for Long QT syndrome. Last evaluated: 2025-11-21. Review status: criteria provided, single submitter. Criteria: Invitae Variant Classification Sherloc (09022015). Collection method: clinical testing. Allele origin: germline.

All of Us Research Program, National Institutes of Health
Classification: Likely benign for Long QT syndrome. Last evaluated: 2024-02-05. Review status: criteria provided, single submitter. Criteria: ACMG Guidelines, 2015. Collection method: clinical testing. Allele origin: germline. Inheritance: Autosomal dominant inheritance. Observed: 17 variant alleles, 17 heterozygotes.
Comment: This study involves interpretation of variants in research participants for the purpose of population health screening. Participant phenotype was not available at the time of variant classification. Additional details can be found in publication PMID: 35346344, PMCID: PMC8962531

Ambry Genetics
Classification: Likely benign for Cardiovascular phenotype. Last evaluated: 2023-06-09. Review status: criteria provided, single submitter. Criteria: Ambry Variant Classification Scheme 2023. Collection method: clinical testing. Allele origin: germline.

Color Diagnostics, LLC DBA Color Health
Classification: Likely benign for Arrhythmia. Last evaluated: 2019-03-30. Review status: criteria provided, single submitter. Criteria: ACMG Guidelines, 2015. Collection method: clinical testing. Allele origin: germline.

GeneDx
Classification: Benign. Last evaluated: 2015-03-03. Review status: criteria provided, single submitter. Criteria: GeneDx Variant Classification Process June 2021. Collection method: clinical testing. Allele origin: germline. Affected: yes.